The following is an entry in ClinVar:

NM_000530.8(MPZ):c.342A>G (p.Ile114Met)

Gene: MPZ (myelin protein zero; minus strand). Cytogenetic location: 1q23.3.
Variant type: single nucleotide variant.
Coding change: c.342A>G on transcript NM_000530.8 (MANE Select); coding-DNA position 342, A replaced by G.
Protein change: p.Ile114Met; replaces isoleucine 114 with methionine.
Molecular consequence: missense variant.
Genome position (GRCh38, 1-based): chr1:161,306,814, T>C on the plus strand (A>G on the coding strand, the complement: MPZ is on the minus strand). VCF-style: chr1-161306814-T-C. GRCh37 (hg19) VCF-style: chr1-161276604-T-C.
Other names: c.342A>G (LRG_256t1); c.342A>G, p.Ile114Met (NM_001315491.2); short protein forms I114M.
Identifiers: ClinVar variation 637796 (VCV000637796.9), dbSNP rs1571818994, ClinGen allele CA343349257.

ClinVar aggregate classification (germline): Uncertain significance. Review status: criteria provided, single submitter (1 of 4 stars). 2 submissions from 2 submitters: Uncertain significance (1). 1 of the submissions does not count toward it. Last evaluated 2022-07-18.

Conditions:
Charcot-Marie-Tooth disease, type I (CMT1). Also called: Charcot-Marie-Tooth disease type 1; Charcot-Marie-Tooth, Type 1. Identifiers: Orphanet 65753, MedGen C0751036, MONDO:0019011.
Charcot-Marie-Tooth disease. Also called: Charcot-Marie-Tooth Hereditary Neuropathy; Charcot-Marie-Tooth Neuropathy. Identifiers: Orphanet 166, MedGen C0007959, MONDO:0015626.

Submissions (2):

Labcorp Genetics (formerly Invitae), Labcorp
Classification: Uncertain significance for Charcot-Marie-Tooth disease, type I. Last evaluated: 2022-07-18. Review status: criteria provided, single submitter. Criteria: Invitae Variant Classification Sherloc (09022015). Collection method: clinical testing. Allele origin: germline.
Comment: In summary, the available evidence is currently insufficient to determine the role of this variant in disease. Therefore, it has been classified as a Variant of Uncertain Significance. This variant disrupts the p.Ile114 amino acid residue in MPZ. Other variant(s) that disrupt this residue have been determined to be pathogenic (PMID: 26310628, 29687021; Invitae). This suggests that this residue is clinically significant, and that variants that disrupt this residue are likely to be disease-causing. Algorithms developed to predict the effect of missense changes on protein structure and function are either unavailable or do not agree on the potential impact of this missense change (SIFT: "Deleterious"; PolyPhen-2: "Possibly Damaging"; Align-GVGD: "Class C0"). ClinVar contains an entry for this variant (Variation ID: 637796). This missense change has been observed in individual(s) with MPZ-related conditions (PMID: 18380021). This variant is not present in population databases (gnomAD no frequency). This sequence change replaces isoleucine, which is neutral and non-polar, with methionine, which is neutral and non-polar, at codon 114 of the MPZ protein (p.Ile114Met).

Inherited Neuropathy Consortium
Classification: Uncertain significance for Charcot-Marie-Tooth disease. Review status: no assertion criteria provided. Collection method: literature only. Allele origin: germline. Affected: yes. Not counted in ClinVar's aggregate classification.

Literature cited by the submitters: PubMed 26310628 (cited by Labcorp Genetics (formerly Invitae), Labcorp); PubMed 29687021 (cited by Labcorp Genetics (formerly Invitae), Labcorp); PubMed 18380021 (cited by Labcorp Genetics (formerly Invitae), Labcorp); PubMed 18380030 (cited by Inherited Neuropathy Consortium).